The following is an entry in ClinVar:

ClinVar aggregate classification (germline): Pathogenic. Review status: criteria provided, multiple submitters, no conflicts (2 of 4 stars). 2 submissions from 2 submitters: Pathogenic (2). Last evaluated 2017-12-04.

Conditions:
Maturity-onset diabetes of the young type 1. Also called: MODY, type I; MODY type 1; Diabetes mellitus MODY type 1; MODY HNF4A related; HNF4A-Related Maturity-Onset Diabetes of the Young Type 1; MILD JUVENILE DIABETES MELLITUS. Identifiers: Orphanet 552, MedGen C1852093, MONDO:0007452, OMIM 125850. Disease mechanism: loss of function.
Maturity-onset diabetes of the young (MODY). Also called: Maturity onset diabetes mellitus in young. Identifiers: Orphanet 552, MedGen C0342276, MONDO:0018911, HP:0004904.

gnomAD v4.1: 1 of 1,611,510 alleles (0.000062%); highest among the groups gnomAD compares: African/African-American, 0.0013%; no homozygotes.

Submissions (2):

Translational Genomics Laboratory, University of Maryland School of Medicine
Classification: Pathogenic for Maturity-onset diabetes of the young, type 1. Last evaluated: 2017-12-04. Review status: criteria provided, single submitter. Criteria: ACMG Guidelines, 2015. Collection method: clinical testing. Allele origin: germline. Affected: yes.
Comment: The c.256C>T variant in codon 86 (exon 4 of the RefSeqGene) of the Hepatocyte Nuclear Factor 4-Alpha gene, HNF4A, results in the generation of a termination codon and the expected loss of part of the DNA binding domain and the entire hinge and ligand-binding/dimerization domains (10592235, 23485969, 16917892; Yamagata, 2014). Nonsense mutations in HNF4A have been reported in patients with a clinical picture consistent with Maturity-Onset Diabetes of the Young, Type 1 (MODY1) (16917892, 23348805) The c.256C>T variant was not observed in the NHLBI Exome Sequencing Project, 1000 Genomes Project, or Exome Aggregation Consortium databases. Additionally, multiple lines of computational evidence (MutationTaster, FATHMM, LRT, GERP) predict this variant is probably damaging to the protein structure, function, or protein-protein interaction. ACMG criteria = PVS1, PM2, PP3

Clinical Genomics, Uppaluri K&H Personalized Medicine Clinic
Classification: Pathogenic for Maturity-onset diabetes of the young. Review status: criteria provided, single submitter. Criteria: K & H Uppaluri Personalized Medicine Clinic Variant Classification & Assertion Criteria_Updated V.1. Collection method: research. Allele origin: unknown. Inheritance: Autosomal dominant inheritance.
Comment: Potent mutations in HNF4A are associated with poor insulin secretion in response to hyperglycemia. Associated with MODY1. Patients initially respond well to sulfonylureas but eventually become insulin dependent. However, more evidence is required to ascertain the role of this particular variant rs1568724014 in MODY, yet.

Literature cited by the submitters: PubMed 10592235 (cited by Translational Genomics Laboratory, University of Maryland School of Medicine); PubMed 23485969 (cited by Translational Genomics Laboratory, University of Maryland School of Medicine); PubMed 16917892 (cited by Translational Genomics Laboratory, University of Maryland School of Medicine); PubMed 23348805 (cited by Translational Genomics Laboratory, University of Maryland School of Medicine); Yamagata, K. (2014). Roles of HNF1A and HNF4A in Pancreatic Beta Cells: Lessons from a Monogenic Form of Diabetes (MODY). In Litwack, G. (Ed.), The Pancreatic Beta Cell (pp.407-424). Oxford: Academic Press. (cited by Translational Genomics Laboratory, University of Maryland School of Medicine); DOI 10.1159/000334532 (cited by Clinical Genomics, Uppaluri K&H Personalized Medicine Clinic); PubMed 18268044 (cited by Clinical Genomics, Uppaluri K&H Personalized Medicine Clinic); PubMed 17563455 (cited by Clinical Genomics, Uppaluri K&H Personalized Medicine Clinic); PubMed 32583173 (cited by Clinical Genomics, Uppaluri K&H Personalized Medicine Clinic); PubMed 35052457 (cited by Clinical Genomics, Uppaluri K&H Personalized Medicine Clinic); PubMed 35118593 (cited by Clinical Genomics, Uppaluri K&H Personalized Medicine Clinic).

NM_175914.5(HNF4A):c.265C>T (p.Gln89Ter)

Gene: HNF4A (hepatocyte nuclear factor 4 alpha; plus strand). Cytogenetic location: 20q13.12.
Variant type: single nucleotide variant.
Coding change: c.265C>T on transcript NM_175914.5 (MANE Select); coding-DNA position 265, C replaced by T.
Protein change: p.Gln89Ter; replaces glutamine 89 with a stop codon.
Molecular consequence: nonsense.
Genome position (GRCh38, 1-based): chr20:44,407,421, C>T. VCF-style: chr20-44407421-C-T. GRCh37 (hg19) VCF-style: chr20-43036061-C-T.
Other names: c.331C>T, p.Gln111Ter (NM_000457.6, NM_178849.3, NM_178850.3); c.265C>T, p.Gln89Ter (NM_001030003.3, NM_001030004.3); c.310C>T, p.Gln104Ter (NM_001258355.2); c.256C>T, p.Gln86Ter (NM_001287182.2, NM_001287183.2, NM_001287184.2); short protein forms Q111*, Q86*, Q89*, Q104*.
Identifiers: ClinVar variation 617653 (VCV000617653.2), dbSNP rs1568724014, ClinGen allele CA409104228.